The following is an entry in ClinVar:

NC_000017.10:g.(?_56769986)_(56774230_?)del

Gene: RAD51C (RAD51 paralog C; plus strand). Cytogenetic location: 17q22.
Variant type: Deletion.
Identifiers: ClinVar variation 2427168 (VCV002427168.4).

ClinVar aggregate classification (germline): Pathogenic (1 of 4 stars; one submission).

Conditions:
Fanconi anemia complementation group O. Also called: RAD51C-Related Fanconi Anemia. Identifiers: Orphanet 84, MedGen C3150653, MONDO:0013248, OMIM 613390.

Submission:

Labcorp Genetics (formerly Invitae), Labcorp
Classification: Pathogenic for Fanconi anemia complementation group O. Last evaluated: 2023-02-24. Review status: criteria provided, single submitter. Criteria: Invitae Variant Classification Sherloc (09022015). Collection method: clinical testing. Allele origin: germline.
Comment: A similar copy number variant has been observed in individual(s) with breast and/or ovarian cancer (PMID: 33047316). This variant is a gross deletion of the genomic region encompassing exon(s) 1-3 of the RAD51C gene, which includes the initiator codon. This deletion extends beyond the assayed region for this gene and therefore may encompass additional genes. It is expected to result in an absent or disrupted protein product. Loss-of-function variants in RAD51C are known to be pathogenic (PMID: 20400964, 21990120, 24800917). For these reasons, this variant has been classified as Pathogenic.

Literature cited by the submitters: PubMed 33047316; PubMed 20400964; PubMed 21990120; PubMed 24800917.